The following is an entry in ClinVar:

ClinVar aggregate classification (germline): Likely benign (1 of 4 stars; one submission).

Submission:

CeGaT Center for Human Genetics Tuebingen
Classification: Likely benign. Last evaluated: 2022-06-01. Review status: criteria provided, single submitter. Criteria: CeGaT Center For Human Genetics Tuebingen Variant Classification Criteria Version 2. Collection method: clinical testing. Allele origin: germline. Affected: yes. Observed: 1 variant allele.
Comment: PRSS3: PM2:Supporting, BP4, BP7

NC_000009.12:g.33750639C>T

Genes: PRSS3 (serine protease 3; plus strand), UBE2R2-AS1 (UBE2R2 antisense RNA 1; minus strand). Cytogenetic location: 9p13.3.
Variant type: single nucleotide variant.
Genome position: GRCh38 VCF-style: chr9-33750639-C-T. GRCh37 (hg19) VCF-style: chr9-33750637-C-T.
Identifiers: ClinVar variation 2659150 (VCV002659150.22), dbSNP rs1406450870, ClinGen allele CA464355962.